The following is an entry in ClinVar:

ClinVar aggregate classification (germline): Uncertain significance (1 of 4 stars; one submission).

Conditions:
Severe combined immunodeficiency due to DCLRE1C deficiency (RS-SCID). Also called: SCID, AUTOSOMAL RECESSIVE, T CELL-NEGATIVE, B CELL-NEGATIVE, NK CELL-POSITIVE, WITH SENSITIVITY TO IONIZING RADIATION. Identifiers: Orphanet 275, MedGen C1865371, MONDO:0011225, OMIM 602450.

Allele frequency attached by ClinVar (database versions not stated): ExAC 0.00002; TOPMed 0.00003.
gnomAD v4.1: 10 of 1,613,856 alleles (0.00062%); highest among the groups gnomAD compares: East Asian, 0.018%; no homozygotes.

Submission:

Labcorp Genetics (formerly Invitae), Labcorp
Classification: Uncertain significance for Athabaskan severe combined immunodeficiency. Last evaluated: 2021-08-30. Review status: criteria provided, single submitter. Criteria: Invitae Variant Classification Sherloc (09022015). Collection method: clinical testing. Allele origin: germline.
Comment: This sequence change replaces isoleucine with valine at codon 284 of the DCLRE1C protein (p.Ile284Val). The isoleucine residue is weakly conserved and there is a small physicochemical difference between isoleucine and valine. This variant is present in population databases (rs752481832, ExAC 0.03%). This variant has not been reported in the literature in individuals affected with DCLRE1C-related conditions. Algorithms developed to predict the effect of missense changes on protein structure and function output the following: SIFT: "Tolerated"; PolyPhen-2: "Benign"; Align-GVGD: "Class C0". The valine amino acid residue is found in multiple mammalian species, which suggests that this missense change does not adversely affect protein function. Algorithms developed to predict the effect of sequence changes on RNA splicing suggest that this variant may create or strengthen a splice site. In summary, the available evidence is currently insufficient to determine the role of this variant in disease. Therefore, it has been classified as a Variant of Uncertain Significance.

NM_001033855.3(DCLRE1C):c.850A>G (p.Ile284Val)

Gene: DCLRE1C (DNA cross-link repair 1C; minus strand). Cytogenetic location: 10p13.
Variant type: single nucleotide variant.
Coding change: c.850A>G on transcript NM_001033855.3 (MANE Select); coding-DNA position 850, A replaced by G.
Protein change: p.Ile284Val; replaces isoleucine 284 with valine.
Molecular consequence: missense variant. On other transcripts: non-coding transcript variant (4).
Genome position (GRCh38, 1-based): chr10:14,928,083, T>C on the plus strand (A>G on the coding strand, the complement: DCLRE1C is on the minus strand). VCF-style: chr10-14928083-T-C. GRCh37 (hg19) VCF-style: chr10-14970082-T-C.
Other names: c.490A>G, p.Ile164Val (NM_001033857.3, NM_001033858.3, NM_001289077.2 and 2 more transcripts); c.505A>G, p.Ile169Val (NM_001289076.2, NM_001289078.2, NM_001350966.2 and 1 more transcripts); c.850A>G, p.Ile284Val (NM_001350965.2); short protein forms I164V, I169V, I284V.
Identifiers: ClinVar variation 2141161 (VCV002141161.1), dbSNP rs752481832, ClinGen allele CA5416659.